The following is an entry in ClinVar:

NM_017752.3(TBC1D8B):c.705G>A (p.Leu235=)

Gene: TBC1D8B (TBC1 domain family member 8B; plus strand). Cytogenetic location: Xq22.3.
Variant type: single nucleotide variant.
Coding change: c.705G>A on transcript NM_017752.3 (MANE Select); coding-DNA position 705, G replaced by A.
Protein change: p.Leu235=; no amino-acid change (leucine 235 retained).
Molecular consequence: synonymous variant.
Genome position (GRCh38, 1-based): chrX:106,823,344, G>A. VCF-style: chrX-106823344-G-A. GRCh37 (hg19) VCF-style: chrX-106066574-G-A.
Other names: c.705G>A, p.Leu235= (NM_198881.2).
Identifiers: ClinVar variation 3031628 (VCV003031628.2), dbSNP rs1931748592, ClinGen allele CA518096578.

ClinVar aggregate classification (germline): Likely benign (0 of 4 stars; one submission).

Conditions:
TBC1D8B-related disorder. Also called: TBC1D8B-related condition.

Allele frequency attached by ClinVar (database versions not stated): TOPMed 0.00001.

Submission:

PreventionGenetics, part of Exact Sciences
Classification: Likely benign for TBC1D8B-related condition. Last evaluated: 2024-02-07. Review status: no assertion criteria provided. Collection method: clinical testing. Allele origin: germline.
Comment: This variant is classified as likely benign based on ACMG/AMP sequence variant interpretation guidelines (Richards et al. 2015 PMID: 25741868, with internal and published modifications).